The following is an entry in ClinVar:

NM_003183.6(ADAM17):c.1326C>T (p.Gly442=)

Genes: ADAM17 (ADAM metallopeptidase domain 17; minus strand), IAH1 (isoamyl acetate hydrolyzing esterase 1 (putative); plus strand). Cytogenetic location: 2p25.1.
Variant type: single nucleotide variant.
Coding change: c.1326C>T on transcript NM_003183.6 (MANE Select); coding-DNA position 1326, C replaced by T.
Protein change: p.Gly442=; no amino-acid change (glycine 442 retained).
Molecular consequence: synonymous variant.
Genome position (GRCh38, 1-based): chr2:9,509,997, G>A on the plus strand (C>T on the coding strand, the complement: ADAM17 is on the minus strand). VCF-style: chr2-9509997-G-A. GRCh37 (hg19) VCF-style: chr2-9650126-G-A.
Other names: c.666C>T, p.Gly222= (NM_001382777.1); c.429C>T, p.Gly143= (NM_001382778.1).
Identifiers: ClinVar variation 4875279 (VCV004875279.2).

ClinVar aggregate classification (germline): Likely benign (1 of 4 stars; one submission).

gnomAD v4.1: 4 of 1,613,860 alleles (0.00025%); highest among the groups gnomAD compares: Non-Finnish European, 0.00034%; no homozygotes.

Submission:

CeGaT Center for Human Genetics Tuebingen
Classification: Likely benign. Last evaluated: 2026-06-01. Review status: criteria provided, single submitter. Criteria: CeGaT Center For Human Genetics Tuebingen Variant Classification Criteria Version 2. Collection method: clinical testing. Allele origin: germline. Affected: yes. Observed: 1 variant allele.
Comment: ADAM17: BP4, BP7